The following is an entry in ClinVar:

NM_016239.4(MYO15A):c.8583del (p.Phe2861fs)

Gene: MYO15A (myosin XVA; plus strand). Cytogenetic location: 17p11.2.
Variant type: Deletion.
Coding change: c.8583del on transcript NM_016239.4 (MANE Select); coding-DNA position 8583, one base deleted (C; older notation c.8583delC).
Protein change: p.Phe2861fs; shifts the reading frame from phenylalanine 2861.
Molecular consequence: frameshift variant.
Genome position (GRCh38, 1-based): chr17:18,156,318, C deleted. VCF-style (leftmost placement, unchanged base first): chr17-18156317-TC-T. GRCh37 (hg19) VCF-style: chr17-18059631-TC-T.
Other names: c.8583delC (NM_016239.4); short protein forms F2861fs.
Identifiers: ClinVar variation 1301967 (VCV001301967.2), dbSNP rs2142384617, ClinGen allele CA2573153197.
Genomic context (GRCh38, chr17:18,156,317, plus strand): 5'-GTGAGAAGGTCATCCTCTTCTCAGCCCGAGCGCACCAGGTCAAGACCCTGGTAGATGACT[TC>T]ATCTTGGAGCTGAAGAAGGTCAGGATCTTCTCACAGATCTTCCCTCCACCCAGGCTGAGG-3'

ClinVar aggregate classification (germline): Pathogenic. Review status: criteria provided, multiple submitters, no conflicts (2 of 4 stars). 2 submissions from 2 submitters: Pathogenic (2). Last evaluated 2024-11-02.

Conditions:
Autosomal recessive nonsyndromic hearing loss 3. Also called: NEUROSENSORY NONSYNDROMIC RECESSIVE DEAFNESS 3. Identifiers: Orphanet 90636, MedGen C1838263, MONDO:0010860, OMIM 600316.

Submissions (2):

ENT and Head and Neck Research Center and Department,  The Five Senses Health Institute, Iran University of Medical Sciences
Classification: Pathogenic for Autosomal recessive nonsyndromic hearing loss 3. Last evaluated: 2024-11-02. Review status: criteria provided, single submitter. Criteria: ClinGen HL ACMG Specifications v1. Collection method: clinical testing. Allele origin: germline. Affected: yes.
Comment: PVS1: Null variant (frame-shift) in gene MYO15A, predicted to cause NMD. Loss-of-function is a known mechanism of disease (gene has 448 reported pathogenic LOF variants). The exon affects 1 functional domain: UniProt protein MYO15_HUMAN region of interest 'Tail'. The exon contains 4 pathogenic variants. The truncated region contains 116 pathogenic variants., PM2: Variant not found in gnomAD genomes, PP1: Segregation in one affected relative for recessive, PP5: Combined evidence strength is Supporting (score = 1).Supporting: ClinVar classifies this variant as Pathogenic, 1 star (reviewed Dec '23, 1 submission).

Molecular Diagnosis Center for Deafness
Classification: Pathogenic for Autosomal recessive nonsyndromic hearing loss 3. Review status: criteria provided, single submitter. Criteria: ClinGen HL ACMG Specifications v1. Collection method: clinical testing. Allele origin: maternal. Observed: 1 variant allele.

Literature cited by the submitters: DOI 10.1038/s41598-025-99417-7 (cited by ENT and Head and Neck Research Center and Department,  The Five Senses Health Institute, Iran University of Medical Sciences).